The following is an entry in ClinVar:

ClinVar aggregate classification (germline): Uncertain significance (1 of 4 stars; one submission).

Submission:

GeneDx
Classification: Uncertain significance. Last evaluated: 2025-06-26. Review status: criteria provided, single submitter. Criteria: GeneDx Variant Classification Process June 2021. Collection method: clinical testing. Allele origin: germline.
Comment: Nonsense variant predicted to result in protein truncation as the last 25 amino acid(s) are lost; Not observed at significant frequency in large population cohorts (gnomAD); Has not been previously published as pathogenic or benign to our knowledge

NM_023110.3(FGFR1):c.2391_2392del (p.Ser797_His798insTer)

Gene: FGFR1 (fibroblast growth factor receptor 1; minus strand). Cytogenetic location: 8p11.23.
Variant type: Microsatellite.
Coding change: c.2391_2392del on transcript NM_023110.3 (MANE Select); coding-DNA positions 2391 to 2392, 2 bases deleted (TC; older notation c.2391_2392delTC).
Protein change: p.Ser797_His798insTer.
Molecular consequence: frameshift variant. On other transcripts: nonsense (3), intron variant (3).
Genome position (GRCh38, 1-based): chr8:38,413,705-38,413,706, GA deleted on the plus strand (TC on the coding strand, the reverse complement: FGFR1 is on the minus strand); deleting any 2 consecutive bases within chr8:38,413,705-38,413,710 gives the same sequence; the c. name uses the placement nearest the transcript's 3' end. VCF-style (leftmost placement, unchanged base first): chr8-38413704-TGA-T. GRCh37 (hg19) VCF-style: chr8-38271222-TGA-T.
Other names: c.2124_2125del, p.Ser708_His709insTer (NM_001174066.2, NM_023105.3); c.2484_2485del, p.Ser828_His829insTer (NM_001174067.2); c.2387_2388TC[2], p.His798Terfs (NM_000604.2, NM_023110.2); c.2385_2386del, p.Ser795_His796insTer (NM_001174063.2, NM_001174065.2, NM_015850.4); c.2361_2362del, p.Ser787_His788insTer (NM_001174064.2); c.2112_2113del, p.Ser704_His705insTer (NM_001354368.2); c.2379_2380del, p.Ser793_His794insTer (NM_001410922.1); c.2118_2119del, p.Ser706_His707insTer (NM_023106.3); and 4 more.
Identifiers: ClinVar variation 2662870 (VCV002662870.2), dbSNP rs2536759672, ClinGen allele CA2695199669.
Genomic context (GRCh38, chr8:38,413,704, plus strand): 5'-CCGCCATTGGCAAGCTGGGCTGGGTGTCGGGGCAGGCAGGGCTCCTCGGGCAGCGGCTCA[TGA>T]GAGAAGACGGAATCCTCCCCTGAGGAGCACGTAGAGCTCCGGGTGTCGGGAAAGCTGGGG-3'